The following is an entry in ClinVar:

ClinVar aggregate classification (germline): Uncertain significance (1 of 4 stars; one submission).

Conditions:
Epileptic encephalopathy. Identifiers: MedGen C0543888, HP:0200134.

Allele frequency attached by ClinVar (database versions not stated): gnomAD 0.00001; TOPMed 0.00001; gnomAD exomes 0.00003; ExAC 0.00008.
gnomAD v4.1: 37 of 1,581,036 alleles (0.0023%); highest among the groups gnomAD compares: Middle Eastern, 0.034%; no homozygotes.

Submission:

Labcorp Genetics (formerly Invitae), Labcorp
Classification: Uncertain significance for Epileptic encephalopathy. Last evaluated: 2022-07-12. Review status: criteria provided, single submitter. Criteria: Invitae Variant Classification Sherloc (09022015). Collection method: clinical testing. Allele origin: germline.
Comment: ClinVar contains an entry for this variant (Variation ID: 1520207). In summary, the available evidence is currently insufficient to determine the role of this variant in disease. Therefore, it has been classified as a Variant of Uncertain Significance. Algorithms developed to predict the effect of missense changes on protein structure and function (SIFT, PolyPhen-2, Align-GVGD) all suggest that this variant is likely to be tolerated. This variant has not been reported in the literature in individuals affected with FASN-related conditions. This variant is present in population databases (rs746904826, gnomAD 0.02%). This sequence change replaces leucine, which is neutral and non-polar, with phenylalanine, which is neutral and non-polar, at codon 2170 of the FASN protein (p.Leu2170Phe).

NM_004104.5(FASN):c.6508C>T (p.Leu2170Phe)

Gene: FASN (fatty acid synthase; minus strand). Cytogenetic location: 17q25.3.
Variant type: single nucleotide variant.
Coding change: c.6508C>T on transcript NM_004104.5 (MANE Select); coding-DNA position 6508, C replaced by T.
Protein change: p.Leu2170Phe; replaces leucine 2170 with phenylalanine.
Molecular consequence: missense variant.
Genome position (GRCh38, 1-based): chr17:82,081,251, G>A on the plus strand (C>T on the coding strand, the complement: FASN is on the minus strand). VCF-style: chr17-82081251-G-A. GRCh37 (hg19) VCF-style: chr17-80039127-G-A.
Other names: short protein forms L2170F.
Identifiers: ClinVar variation 1520207 (VCV001520207.6), dbSNP rs746904826, ClinGen allele CA8851281.
Genomic context (GRCh38, chr17:82,081,251, plus strand): 5'-GCTCCTGCAGTTTCCGGAGCGTGAGTTGCCGCACCTCGCGCACGGACAGCACCAGGTTGA[G>A]CTCACGCTCCAGCGTCTGGCGCACCTCCACGCTCATGAGCGAGTCCAGGCCCAGGTCCGC-3'
Protein context (NP_004095.4, residues 2160-2180): VEVRQTLERE[Leu2170Phe]NLVLSVREVR